The following is an entry in ClinVar:

NM_000138.5(FBN1):c.1719G>A (p.Met573Ile)

Gene: FBN1 (fibrillin 1; minus strand). Cytogenetic location: 15q21.1.
Variant type: single nucleotide variant.
Coding change: c.1719G>A on transcript NM_000138.5 (MANE Select); coding-DNA position 1719, G replaced by A.
Protein change: p.Met573Ile; replaces methionine 573 with isoleucine.
Molecular consequence: missense variant.
Genome position (GRCh38, 1-based): chr15:48,508,700, C>T on the plus strand (G>A on the coding strand, the complement: FBN1 is on the minus strand). VCF-style: chr15-48508700-C-T. GRCh37 (hg19) VCF-style: chr15-48800897-C-T.
Other names: c.1719G>A, p.Met573Ile (NM_001406716.1); short protein forms M573I.
Identifiers: ClinVar variation 3386845 (VCV003386845.1).

ClinVar aggregate classification (germline): Uncertain significance (1 of 4 stars; one submission).

Conditions:
Marfan syndrome (MFS). Also called: MARFAN SYNDROME, TYPE I; Marfan syndrome type 1; Marfan's syndrome; FBN1-Related Marfan Syndrome; Marfan syndrome, classic. Identifiers: Orphanet 284963, Orphanet 558, MedGen C0024796, MONDO:0007947, OMIM 154700.

Submission:

All of Us Research Program, National Institutes of Health
Classification: Uncertain significance for Marfan syndrome. Last evaluated: 2024-08-06. Review status: criteria provided, single submitter. Criteria: ACMG Guidelines, 2015. Collection method: clinical testing. Allele origin: germline. Inheritance: Autosomal dominant inheritance. Observed: 1 variant allele, 1 heterozygote.
Comment: This study involves interpretation of variants in research participants for the purpose of population health screening. Participant phenotype was not available at the time of variant classification. Additional details can be found in publication PMID: 35346344, PMCID: PMC8962531